The following is an entry in ClinVar:

ClinVar aggregate classification (germline): Uncertain significance. Review status: criteria provided, multiple submitters, no conflicts (2 of 4 stars). 3 submissions from 3 submitters: Uncertain significance (3). Last evaluated 2026-03-07.

Conditions:
Fanconi anemia complementation group J. Also called: BRIP1-Related Fanconi Anemia. Identifiers: Orphanet 84, MedGen C1836860, MONDO:0012187, OMIM 609054.
Familial cancer of breast. Also called: BREAST CANCER, FAMILIAL; Hereditary breast cancer; hereditary breast carcinoma. Identifiers: Orphanet 227535, MedGen C0346153, MONDO:0016419, OMIM 114480. Disease mechanism: loss of function.
Hereditary cancer-predisposing syndrome. Also called: Tumor predisposition; Hereditary neoplastic syndrome; Hereditary Cancer Syndrome; Neoplastic Syndromes, Hereditary. Identifiers: Orphanet 140162, MedGen C0027672, MeSH D009386, MONDO:0015356.

Submissions (3):

Ambry Genetics
Classification: Uncertain significance for Hereditary cancer-predisposing syndrome. Last evaluated: 2026-03-07. Review status: criteria provided, single submitter. Criteria: Ambry Variant Classification Scheme 2023. Collection method: clinical testing. Allele origin: germline.
Comment: The p.T555A variant (also known as c.1663A>G), located in coding exon 11 of the BRIP1 gene, results from an A to G substitution at nucleotide position 1663. The threonine at codon 555 is replaced by alanine, an amino acid with similar properties. This amino acid position is conserved. In addition, this alteration is predicted to be tolerated by in silico analysis. Based on the available evidence, the clinical significance of this variant remains unclear.

Color Diagnostics, LLC DBA Color Health
Classification: Uncertain significance for Hereditary cancer-predisposing syndrome. Last evaluated: 2024-03-06. Review status: criteria provided, single submitter. Criteria: ACMG Guidelines, 2015. Collection method: clinical testing. Allele origin: germline.
Comment: This missense variant replaces threonine with alanine at codon 555 of the BRIP1 protein. Computational prediction suggests that this variant may not impact protein structure and function (internally defined REVEL score threshold <= 0.5, PMID: 27666373). To our knowledge, functional studies have not been reported for this variant. This variant has not been reported in individuals affected with hereditary cancer in the literature. This variant has not been identified in the general population by the Genome Aggregation Database (gnomAD). The available evidence is insufficient to determine the role of this variant in disease conclusively. Therefore, this variant is classified as a Variant of Uncertain Significance.

Labcorp Genetics (formerly Invitae), Labcorp
Classification: Uncertain significance for Familial cancer of breast; Fanconi anemia complementation group J. Last evaluated: 2022-11-22. Review status: criteria provided, single submitter. Criteria: Invitae Variant Classification Sherloc (09022015). Collection method: clinical testing. Allele origin: germline.
Comment: ClinVar contains an entry for this variant (Variation ID: 920937). This variant has not been reported in the literature in individuals affected with BRIP1-related conditions. This variant is not present in population databases (gnomAD no frequency). This sequence change replaces threonine, which is neutral and polar, with alanine, which is neutral and non-polar, at codon 555 of the BRIP1 protein (p.Thr555Ala). Advanced modeling of protein sequence and biophysical properties (such as structural, functional, and spatial information, amino acid conservation, physicochemical variation, residue mobility, and thermodynamic stability) performed at Invitae indicates that this missense variant is not expected to disrupt BRIP1 protein function. In summary, the available evidence is currently insufficient to determine the role of this variant in disease. Therefore, it has been classified as a Variant of Uncertain Significance.

NM_032043.3(BRIP1):c.1663A>G (p.Thr555Ala)

Gene: BRIP1 (BRCA1 interacting DNA helicase 1; minus strand). Cytogenetic location: 17q23.2.
Variant type: single nucleotide variant.
Coding change: c.1663A>G on transcript NM_032043.3 (MANE Select); coding-DNA position 1663, A replaced by G.
Protein change: p.Thr555Ala; replaces threonine 555 with alanine.
Molecular consequence: missense variant.
Genome position (GRCh38, 1-based): chr17:61,780,971, T>C on the plus strand (A>G on the coding strand, the complement: BRIP1 is on the minus strand). VCF-style: chr17-61780971-T-C. GRCh37 (hg19) VCF-style: chr17-59858332-T-C.
Other names: short protein forms T555A.
Identifiers: ClinVar variation 920937 (VCV000920937.17), dbSNP rs2077611229, ClinGen allele CA400480518.